The following is an entry in ClinVar:

ClinVar aggregate classification (germline): Uncertain significance (1 of 4 stars; one submission).

Conditions:
Baller-Gerold syndrome (BGS). Also called: CRANIOSYNOSTOSIS WITH RADIAL DEFECTS. Identifiers: Orphanet 1225, MedGen C0265308, MONDO:0009039, OMIM 218600.

gnomAD v4.1: 3 of 1,573,116 alleles (0.00019%); highest among the groups gnomAD compares: East Asian, 0.0023%; no homozygotes.

Submission:

Labcorp Genetics (formerly Invitae), Labcorp
Classification: Uncertain significance for Baller-Gerold syndrome. Last evaluated: 2022-08-18. Review status: criteria provided, single submitter. Criteria: Invitae Variant Classification Sherloc (09022015). Collection method: clinical testing. Allele origin: germline.
Comment: In summary, the available evidence is currently insufficient to determine the role of this variant in disease. Therefore, it has been classified as a Variant of Uncertain Significance. Experimental studies and prediction algorithms are not available or were not evaluated, and the functional significance of this variant is currently unknown. This variant has not been reported in the literature in individuals affected with RECQL4-related conditions. This variant is not present in population databases (gnomAD no frequency). This sequence change replaces histidine, which is basic and polar, with glutamine, which is neutral and polar, at codon 833 of the RECQL4 protein (p.His833Gln).

NM_004260.4(RECQL4):c.2499C>G (p.His833Gln)

Gene: RECQL4 (RecQ like helicase 4; minus strand). Cytogenetic location: 8q24.3.
Variant type: single nucleotide variant.
Coding change: c.2499C>G on transcript NM_004260.4 (MANE Select); coding-DNA position 2499, C replaced by G.
Protein change: p.His833Gln; replaces histidine 833 with glutamine.
Molecular consequence: missense variant.
Genome position (GRCh38, 1-based): chr8:144,513,103, G>C on the plus strand (C>G on the coding strand, the complement: RECQL4 is on the minus strand). VCF-style: chr8-144513103-G-C. GRCh37 (hg19) VCF-style: chr8-145738486-G-C.
Other names: c.2205C>G, p.His735Gln (NM_001413017.1); c.2301C>G, p.His767Gln (NM_001413018.1); c.2499C>G, p.His833Gln (NM_001413019.1, NM_001413036.1); c.2403C>G, p.His801Gln (NM_001413020.1); c.1428C>G, p.His476Gln (NM_001413021.1, NM_001413022.1, NM_001413023.1 and 5 more transcripts); c.2370C>G, p.His790Gln (NM_001413025.1); c.1362C>G, p.His454Gln (NM_001413027.1, NM_001413041.1, NM_001413030.1 and 1 more transcripts); c.2469C>G, p.His823Gln (NM_001413039.1); and 6 more; short protein forms H344Q, H410Q, H735Q, H823Q, H789Q, H833Q, H454Q, H466Q.
Identifiers: ClinVar variation 2148726 (VCV002148726.4), dbSNP rs377593129, ClinGen allele CA372677391.